The following is an entry in ClinVar:

NM_001563.4(IMPG1):c.898A>T (p.Thr300Ser)

Gene: IMPG1 (interphotoreceptor matrix proteoglycan 1; minus strand). Cytogenetic location: 6q14.1.
Variant type: single nucleotide variant.
Coding change: c.898A>T on transcript NM_001563.4 (MANE Select); coding-DNA position 898, A replaced by T.
Protein change: p.Thr300Ser; replaces threonine 300 with serine.
Molecular consequence: missense variant.
Genome position (GRCh38, 1-based): chr6:76,005,524, T>A on the plus strand (A>T on the coding strand, the complement: IMPG1 is on the minus strand). VCF-style: chr6-76005524-T-A. GRCh37 (hg19) VCF-style: chr6-76715241-T-A.
Other names: c.664A>T, p.Thr222Ser (NM_001282368.2); short protein forms T222S, T300S.
Identifiers: ClinVar variation 1431115 (VCV001431115.6), dbSNP rs2149477751, ClinGen allele CA364774699.
Genomic context (GRCh38, chr6:76,005,524, plus strand): 5'-TTGCAGGGCTTTTTGCTTCTGCACTGTGTCTCTTAAAGATGGCCGTAAGTTGCATCTCTG[T>A]GGAGCTTGAGCTGTAGATAGCAGAGGACACATTCCCCACCCAAAGCCATTGTTACATGCC-3'
Protein context (NP_001554.2, residues 290-310): PKKEKDGSSS[Thr300Ser]EMQLTAIFKR

ClinVar aggregate classification (germline): Uncertain significance (1 of 4 stars; one submission).

Submission:

Labcorp Genetics (formerly Invitae), Labcorp
Classification: Uncertain significance. Last evaluated: 2021-11-01. Review status: criteria provided, single submitter. Criteria: Invitae Variant Classification Sherloc (09022015). Collection method: clinical testing. Allele origin: germline.
Comment: In summary, the available evidence is currently insufficient to determine the role of this variant in disease. Therefore, it has been classified as a Variant of Uncertain Significance. Algorithms developed to predict the effect of missense changes on protein structure and function are either unavailable or do not agree on the potential impact of this missense change (SIFT: "Deleterious"; PolyPhen-2: "Possibly Damaging"; Align-GVGD: "Class C0"). This variant has not been reported in the literature in individuals affected with IMPG1-related conditions. This variant is not present in population databases (gnomAD no frequency). This sequence change replaces threonine, which is neutral and polar, with serine, which is neutral and polar, at codon 300 of the IMPG1 protein (p.Thr300Ser).